The following is an entry in ClinVar:

ClinVar aggregate classification (germline): Uncertain significance. Review status: criteria provided, multiple submitters, no conflicts (2 of 4 stars). 4 submissions from 4 submitters: Uncertain significance (4). Last evaluated 2025-11-25.

Conditions:
Hereditary cancer-predisposing syndrome. Also called: Tumor predisposition; Hereditary Cancer Syndrome; Neoplastic Syndromes, Hereditary; Hereditary neoplastic syndrome. Identifiers: Orphanet 140162, MedGen C0027672, MeSH D009386, MONDO:0015356.
Prostate cancer, hereditary, 9 (HPC9). Identifiers: Orphanet 1331, MedGen C1970250, MONDO:0012597, OMIM 610997.

Submissions (4):

Ambry Genetics
Classification: Uncertain significance for Hereditary cancer-predisposing syndrome. Last evaluated: 2025-11-25. Review status: criteria provided, single submitter. Criteria: Ambry Variant Classification Scheme 2023. Collection method: clinical testing. Allele origin: germline.
Comment: The p.V92M variant (also known as c.274G>A), located in coding exon 1 of the HOXB13 gene, results from a G to A substitution at nucleotide position 274. The valine at codon 92 is replaced by methionine, an amino acid with highly similar properties. This amino acid position is not well conserved in available vertebrate species. In addition, this alteration is predicted to be tolerated by in silico analysis. Since supporting evidence is limited at this time, the clinical significance of this alteration remains unclear.

Labcorp Genetics (formerly Invitae), Labcorp
Classification: Uncertain significance. Last evaluated: 2024-10-16. Review status: criteria provided, single submitter. Criteria: Invitae Variant Classification Sherloc (09022015). Collection method: clinical testing. Allele origin: germline.
Comment: This sequence change replaces valine, which is neutral and non-polar, with methionine, which is neutral and non-polar, at codon 92 of the HOXB13 protein (p.Val92Met). This variant is not present in population databases (gnomAD no frequency). This variant has not been reported in the literature in individuals affected with HOXB13-related conditions. ClinVar contains an entry for this variant (Variation ID: 821761). Invitae Evidence Modeling of protein sequence and biophysical properties (such as structural, functional, and spatial information, amino acid conservation, physicochemical variation, residue mobility, and thermodynamic stability) indicates that this missense variant is not expected to disrupt HOXB13 protein function with a negative predictive value of 80%. In summary, the available evidence is currently insufficient to determine the role of this variant in disease. Therefore, it has been classified as a Variant of Uncertain Significance.

Quest Diagnostics Nichols Institute San Juan Capistrano
Classification: Uncertain significance. Last evaluated: 2024-03-19. Review status: criteria provided, single submitter. Criteria: Quest Diagnostics criteria. Collection method: clinical testing. Allele origin: unknown.
Comment: The HOXB13 c.274G>A (p.Val92Met) variant has not been reported in individuals with HOXB13-related conditions in the published literature. It also has not been reported in large, multi-ethnic general populations (Genome Aggregation Database). Analysis of this variant using bioinformatics tools for the prediction of the effect of amino acid changes on protein structure and function yielded predictions that this variant is benign. Based on the available information, we are unable to determine the clinical significance of this variant.

Molecular Pathology, Peter Maccallum Cancer Centre
Classification: Uncertain significance for Prostate cancer, hereditary, 9. Last evaluated: 2024-01-25. Review status: criteria provided, single submitter. Criteria: ACMG Guidelines, 2015. Collection method: clinical testing. Allele origin: germline. Inheritance: Autosomal dominant inheritance.

NM_006361.6(HOXB13):c.274G>A (p.Val92Met)

Gene: HOXB13 (homeobox B13; minus strand). Cytogenetic location: 17q21.32.
Variant type: single nucleotide variant.
Coding change: c.274G>A on transcript NM_006361.6 (MANE Select); coding-DNA position 274, G replaced by A.
Protein change: p.Val92Met; replaces valine 92 with methionine.
Molecular consequence: missense variant.
Genome position (GRCh38, 1-based): chr17:48,728,320, C>T on the plus strand (G>A on the coding strand, the complement: HOXB13 is on the minus strand). VCF-style: chr17-48728320-C-T. GRCh37 (hg19) VCF-style: chr17-46805682-C-T.
Other names: short protein forms V92M.
Identifiers: ClinVar variation 821761 (VCV000821761.9), dbSNP rs973452852, ClinGen allele CA291350663.